The following is an entry in ClinVar:

ClinVar aggregate classification (germline): Pathogenic (1 of 4 stars; one submission).

Conditions:
Polycystic kidney disease 4 (PKD4). Also called: POLYCYSTIC KIDNEY AND HEPATIC DISEASE 1; POLYCYSTIC KIDNEY DISEASE, INFANTILE, TYPE I; POLYCYSTIC KIDNEY DISEASE 4 WITH OR WITHOUT POLYCYSTIC LIVER DISEASE; PKD3; Autosomal Recessive Polycystic Kidney Disease – PKHD1. Identifiers: MedGen C4540575, MONDO:0033004, OMIM 263200.

Submission:

Myriad Genetics, Inc.
Classification: Pathogenic for Polycystic kidney disease 4. Last evaluated: 2024-02-19. Review status: criteria provided, single submitter. Criteria: Myriad Autosomal Dominant, Autosomal Recessive and X-Linked Classification Criteria (2023). Collection method: clinical testing. Allele origin: unknown.
Comment: NM_138694.3(PKHD1):c.2103T>G(Y701*) is expected to be pathogenic in the context of autosomal recessive polycystic kidney disease, PKHD1-related. This variant is predicted to lead to an abnormal or absent protein product due to the creation of a premature termination codon in PKHD1, a gene where loss-of-function variants are known to be pathogenic. Please note: this variant was assessed in the context of healthy population screening.

NM_138694.4(PKHD1):c.2103T>G (p.Tyr701Ter)

Gene: PKHD1 (PKHD1 ciliary IPT domain containing fibrocystin/polyductin; minus strand). Cytogenetic location: 6p12.2.
Variant type: single nucleotide variant.
Coding change: c.2103T>G on transcript NM_138694.4 (MANE Select); coding-DNA position 2103, T replaced by G.
Protein change: p.Tyr701Ter; replaces tyrosine 701 with a stop codon.
Molecular consequence: nonsense.
Genome position (GRCh38, 1-based): chr6:52,053,113, A>C on the plus strand (T>G on the coding strand, the complement: PKHD1 is on the minus strand). VCF-style: chr6-52053113-A-C. GRCh37 (hg19) VCF-style: chr6-51917911-A-C.
Other names: c.2103T>G, p.Tyr701Ter (NM_170724.3); short protein forms Y701*.
Identifiers: ClinVar variation 5012762 (VCV005012762.1).
Genomic context (GRCh38, chr6:52,053,113, plus strand): 5'-AGGAGAGAGAATTTGATGATTACCTGTTACGTTTGTGTCTGCAATAATAATTTCATCCAC[A>C]TAGAACAGGCCCGTCTCCTGGGCCAGAGGGAGAAGGTTGATCTGATGAACCAGCACTGGG-3'